The following is an entry in ClinVar:

ClinVar aggregate classification (germline): Pathogenic/Likely pathogenic. Review status: criteria provided, multiple submitters, no conflicts (2 of 4 stars). 2 submissions from 2 submitters: Pathogenic (1); Likely pathogenic (1). Last evaluated 2025-01-08.

Conditions:
Rapadilino syndrome. Identifiers: Orphanet 3021, MedGen C1849453, MONDO:0009955, OMIM 266280.
Baller-Gerold syndrome (BGS). Also called: CRANIOSYNOSTOSIS WITH RADIAL DEFECTS. Identifiers: Orphanet 1225, MedGen C0265308, MONDO:0009039, OMIM 218600.
Rothmund-Thomson syndrome type 2 (RTS2). Identifiers: Orphanet 221016, MedGen C5203410, MONDO:0016369, OMIM 268400.

Submissions (2):

First Genomix Gene Laboratory, Genetic Diagnostics Department
Classification: Likely pathogenic for Baller-Gerold syndrome; Rapadilino syndrome; Rothmund-Thomson syndrome type 2. Last evaluated: 2025-01-08. Review status: criteria provided, single submitter. Criteria: ACMG Guidelines, 2015. Collection method: clinical testing. Allele origin: germline. Inheritance: Autosomal recessive inheritance. Affected: no. Observed: 1 variant allele.

Labcorp Genetics (formerly Invitae), Labcorp
Classification: Pathogenic for Baller-Gerold syndrome. Last evaluated: 2020-05-30. Review status: criteria provided, single submitter. Criteria: Invitae Variant Classification Sherloc (09022015). Collection method: clinical testing. Allele origin: germline.
Comment: This sequence change creates a premature translational stop signal (p.Glu388*) in the RECQL4 gene. It is expected to result in an absent or disrupted protein product. This variant is not present in population databases (ExAC no frequency). This variant has not been reported in the literature in individuals with RECQL4-related conditions. Loss-of-function variants in RECQL4 are known to be pathogenic (PMID: 12734318, 12952869). For these reasons, this variant has been classified as Pathogenic.

Literature cited by the submitters: PubMed 12734318 (cited by Labcorp Genetics (formerly Invitae), Labcorp); PubMed 12952869 (cited by Labcorp Genetics (formerly Invitae), Labcorp).

NM_004260.4(RECQL4):c.1162G>T (p.Glu388Ter)

Gene: RECQL4 (RecQ like helicase 4; minus strand). Cytogenetic location: 8q24.3.
Variant type: single nucleotide variant.
Coding change: c.1162G>T on transcript NM_004260.4 (MANE Select); coding-DNA position 1162, G replaced by T.
Protein change: p.Glu388Ter; replaces glutamic acid 388 with a stop codon.
Molecular consequence: nonsense.
Genome position (GRCh38, 1-based): chr8:144,515,860, C>A on the plus strand (G>T on the coding strand, the complement: RECQL4 is on the minus strand). VCF-style: chr8-144515860-C-A. GRCh37 (hg19) VCF-style: chr8-145741244-C-A.
Other names: short protein forms E388*.
Identifiers: ClinVar variation 1070358 (VCV001070358.6), dbSNP rs2130713508, ClinGen allele CA372687741.